The following is an entry in ClinVar:

NM_024529.5(CDC73):c.110A>G (p.Lys37Arg)

Gene: CDC73 (cell division cycle 73; plus strand). Cytogenetic location: 1q31.2.
Variant type: single nucleotide variant.
Coding change: c.110A>G on transcript NM_024529.5 (MANE Select); coding-DNA position 110, A replaced by G.
Protein change: p.Lys37Arg; replaces lysine 37 with arginine.
Molecular consequence: missense variant.
Genome position (GRCh38, 1-based): chr1:193,122,310, A>G. VCF-style: chr1-193122310-A-G. GRCh37 (hg19) VCF-style: chr1-193091440-A-G.
Other names: c.110A>G (NM_024529.4); short protein forms K37R.
Identifiers: ClinVar variation 1346211 (VCV001346211.9), dbSNP rs890428520, ClinGen allele CA34407992.

ClinVar aggregate classification (germline): Uncertain significance. Review status: criteria provided, multiple submitters, no conflicts (2 of 4 stars). 2 submissions from 2 submitters: Uncertain significance (2). Last evaluated 2025-04-28.

Conditions:
Hereditary cancer-predisposing syndrome. Also called: Hereditary neoplastic syndrome; Tumor predisposition; Neoplastic Syndromes, Hereditary; Hereditary Cancer Syndrome. Identifiers: Orphanet 140162, MedGen C0027672, MeSH D009386, MONDO:0015356.
Parathyroid carcinoma (PRTC). Also called: Parathyroid gland carcinoma; CDC73-Related Parathyroid Carcinoma. Identifiers: Orphanet 143, MedGen C0687150, MONDO:0012004, OMIM 608266, HP:0006780.

Allele frequency attached by ClinVar (database versions not stated): TOPMed below 0.00001; gnomAD 0.00001.
gnomAD v4.1: 1 of 1,614,064 alleles (0.000062%); highest among the groups gnomAD compares: Non-Finnish European, 0.000085%; no homozygotes.

Submissions (2):

Labcorp Genetics (formerly Invitae), Labcorp
Classification: Uncertain significance for Parathyroid carcinoma. Last evaluated: 2025-04-28. Review status: criteria provided, single submitter. Criteria: Invitae Variant Classification Sherloc (09022015). Collection method: clinical testing. Allele origin: germline.
Comment: This sequence change replaces lysine, which is basic and polar, with arginine, which is basic and polar, at codon 37 of the CDC73 protein (p.Lys37Arg). This variant is not present in population databases (gnomAD no frequency). This variant has not been reported in the literature in individuals affected with CDC73-related conditions. ClinVar contains an entry for this variant (Variation ID: 1346211). Invitae Evidence Modeling of protein sequence and biophysical properties (such as structural, functional, and spatial information, amino acid conservation, physicochemical variation, residue mobility, and thermodynamic stability) indicates that this missense variant is not expected to disrupt CDC73 protein function with a negative predictive value of 80%. In summary, the available evidence is currently insufficient to determine the role of this variant in disease. Therefore, it has been classified as a Variant of Uncertain Significance.

Ambry Genetics
Classification: Uncertain significance for Hereditary cancer-predisposing syndrome. Last evaluated: 2025-04-23. Review status: criteria provided, single submitter. Criteria: Ambry Variant Classification Scheme 2023. Collection method: clinical testing. Allele origin: germline.
Comment: The p.K37R variant (also known as c.110A>G), located in coding exon 1 of the CDC73 gene, results from an A to G substitution at nucleotide position 110. The lysine at codon 37 is replaced by arginine, an amino acid with highly similar properties. This amino acid position is highly conserved in available vertebrate species. In addition, the in silico prediction for this alteration is inconclusive. Based on the available evidence, the clinical significance of this variant remains unclear.